The following is an entry in ClinVar:

NM_001289808.2(CRYAB):c.324+4_324+5delinsGT

Gene: CRYAB (crystallin alpha B; minus strand). Cytogenetic location: 11q23.1.
Variant type: Indel.
Coding change: c.324+4_324+5delinsGT on transcript NM_001289808.2 (MANE Select); bases 4 to 5 of the intron after coding-DNA position 324, TG replaced by GT.
Molecular consequence: intron variant.
Genome position (GRCh38, 1-based): chr11:111,910,322-111,910,323, CA replaced by AC on the plus strand (TG replaced by GT on the coding strand, the reverse complement: CRYAB is on the minus strand). VCF-style: chr11-111910322-CA-AC. GRCh37 (hg19) VCF-style: chr11-111781046-CA-AC.
Other names: c.324+4_324+5delinsGT (NM_001368245.1, NM_001885.3, NM_001289807.1); c.123+4_123+5delinsGT (NM_001368246.1, NM_001330379.1).
Identifiers: ClinVar variation 449708 (VCV000449708.7), dbSNP rs1555165393, ClinGen allele CA658658101.

ClinVar aggregate classification (germline): Uncertain significance. Review status: criteria provided, multiple submitters, no conflicts (2 of 4 stars). 3 submissions from 3 submitters: Uncertain significance (3). Last evaluated 2023-11-16.

Conditions:
Cardiovascular phenotype. Identifiers: MedGen CN230736.
Dilated cardiomyopathy 1II (CMD1II). Identifiers: Orphanet 154, MedGen C3554649, MONDO:0014073, OMIM 615184.

Submissions (3):

Ambry Genetics
Classification: Uncertain significance for Cardiovascular phenotype. Last evaluated: 2023-11-16. Review status: criteria provided, single submitter. Criteria: Ambry Variant Classification Scheme 2023. Collection method: clinical testing. Allele origin: germline.
Comment: The c.324+4_324+5delTGinsGT intronic variant, located in intron 2 of the CRYAB gene, results from an in-frame from the deletion of two nucleotides and the insertion of two nucleotides at nucleotide position 324. This nucleotide positions are not well conserved in available vertebrate species. In silico splice site analysis predicts that this alteration may result in the creation or strengthening of a novel splice donor site. Since supporting evidence is limited at this time, the clinical significance of this alteration remains unclear.

Labcorp Genetics (formerly Invitae), Labcorp
Classification: Uncertain significance for Dilated cardiomyopathy 1II. Last evaluated: 2022-08-04. Review status: criteria provided, single submitter. Criteria: Invitae Variant Classification Sherloc (09022015). Collection method: clinical testing. Allele origin: germline.
Comment: This sequence change falls in intron 3 of the CRYAB gene. It does not directly change the encoded amino acid sequence of the CRYAB protein. It affects a nucleotide within the consensus splice site. Information on the frequency of this variant in the gnomAD database is not available, as this variant may be reported differently in the database. In summary, the available evidence is currently insufficient to determine the role of this variant in disease. Therefore, it has been classified as a Variant of Uncertain Significance. Variants that disrupt the consensus splice site are a relatively common cause of aberrant splicing (PMID: 17576681, 9536098). Algorithms developed to predict the effect of sequence changes on RNA splicing suggest that this variant may disrupt the consensus splice site. ClinVar contains an entry for this variant (Variation ID: 449708). This variant has not been reported in the literature in individuals affected with CRYAB-related conditions.

GeneDx
Classification: Uncertain significance. Last evaluated: 2017-10-23. Review status: criteria provided, single submitter. Criteria: GeneDx Variant Classification (06012015). Collection method: clinical testing. Allele origin: germline. Affected: yes.
Comment: A variant of uncertain significance has been identified in the CRYAB gene. The c.324+4_324+5delTGinsGT variant has not been published as pathogenic or been reported as benign to our knowledge. Additionally, this variant is not observed in large population cohorts (Lek et al., 2016). In silico splice prediction programs predict this variant results in loss or reduced efficiency of the splice donor site in intron 2 of the CRYAB gene. However, in the absence of functional mRNA studies, the physiological consequence of this variant cannot be determined. Finally, this substitution occurs at a position where neither nucleotide is conserved across species.

Literature cited by the submitters: PubMed 17576681 (cited by Labcorp Genetics (formerly Invitae), Labcorp); PubMed 9536098 (cited by Labcorp Genetics (formerly Invitae), Labcorp).